The following is an entry in ClinVar:

ClinVar aggregate classification (germline): Uncertain significance (1 of 4 stars; one submission).

Conditions:
Cardiovascular phenotype. Identifiers: MedGen CN230736.

Submission:

Ambry Genetics
Classification: Uncertain significance for Cardiovascular phenotype. Last evaluated: 2017-09-22. Review status: criteria provided, single submitter. Criteria: Ambry Variant Classification Scheme 2023. Collection method: clinical testing. Allele origin: germline.
Comment: The p.A29T variant (also known as c.85G>A), located in coding exon 1 of the NKX2-5 gene, results from a G to A substitution at nucleotide position 85. The alanine at codon 29 is replaced by threonine, an amino acid with similar properties. This amino acid position is poorly conserved in available vertebrate species, and threonine is the reference amino acid in other vertebrate species. In addition, this alteration is predicted to be tolerated by in silico analysis. Since supporting evidence is limited at this time, the clinical significance of this alteration remains unclear.

NM_004387.4(NKX2-5):c.85G>A (p.Ala29Thr)

Gene: NKX2-5 (NK2 homeobox 5; minus strand). Cytogenetic location: 5q35.1.
Variant type: single nucleotide variant.
Coding change: c.85G>A on transcript NM_004387.4 (MANE Select); coding-DNA position 85, G replaced by A.
Protein change: p.Ala29Thr; replaces alanine 29 with threonine.
Molecular consequence: missense variant.
Genome position (GRCh38, 1-based): chr5:173,234,999, C>T on the plus strand (G>A on the coding strand, the complement: NKX2-5 is on the minus strand). VCF-style: chr5-173234999-C-T. GRCh37 (hg19) VCF-style: chr5-172662002-C-T.
Other names: c.85G>A, p.Ala29Thr (NM_001166175.2, NM_001166176.2); short protein forms A29T.
Identifiers: ClinVar variation 519516 (VCV000519516.5), dbSNP rs1554093718, ClinGen allele CA362163717.